The following is an entry in ClinVar:

NM_002693.3(POLG):c.3483-14T>A

Gene: POLG (DNA polymerase gamma, catalytic subunit; minus strand). Cytogenetic location: 15q26.1.
Variant type: single nucleotide variant.
Coding change: c.3483-14T>A on transcript NM_002693.3 (MANE Select); 14 bases into the intron before coding-DNA position 3483, T replaced by A.
Molecular consequence: intron variant.
Genome position (GRCh38, 1-based): chr15:89,317,550, A>T on the plus strand (T>A on the coding strand, the complement: POLG is on the minus strand). VCF-style: chr15-89317550-A-T. GRCh37 (hg19) VCF-style: chr15-89860781-A-T.
Other names: c.3483-14T>A (NM_001126131.2).
Identifiers: ClinVar variation 619378 (VCV000619378.1), dbSNP rs587781119, ClinGen allele CA10602324.

ClinVar aggregate classification (germline): Likely benign (1 of 4 stars; one submission).

Conditions:
Progressive sclerosing poliodystrophy (MTDPS4A). Also called: Alpers-Huttenlocher Syndrome (AHS); Alpers Syndrome; ALPERS PROGRESSIVE INFANTILE POLIODYSTROPHY; Mitochondrial DNA depletion syndrome 4A (Alpers type); ALPERS DIFFUSE DEGENERATION OF CEREBRAL GRAY MATTER WITH HEPATIC CIRRHOSIS; Alpers-Huttenlocher Syndrome. Identifiers: Orphanet 726, MedGen C0205710, MONDO:0008758, OMIM 203700.

Submission:

Wong Mito Lab, Molecular and Human Genetics, Baylor College of Medicine
Classification: Likely benign for Progressive sclerosing poliodystrophy. Last evaluated: 2018-10-01. Review status: criteria provided, single submitter. Criteria: ACMG Guidelines, 2015. Collection method: clinical testing. Allele origin: germline.
Comment: The NM_002693.2:c.3483-14T>A (NP_002684.1:p.=) [GRCH38: NC_000015.10:g.89317550A>T] variant in POLG gene is interpretated to be a Likely Benign based on ACMG guidelines (PMID: 25741868). This variant meets the following evidence codes reported in the ACMG-guideline. BP4:Computational evidence/predictors indicate no impact on the POLG structure, function, or protein-protein interaction. BP6:Reputable source(s) without shared data suggest the variant is benign. Based on the evidence criteria codes applied, the variant is suggested to be Likely Benign.